The following is an entry in ClinVar:

ClinVar aggregate classification (germline): Uncertain significance (1 of 4 stars; one submission).

Submission:

GeneDx
Classification: Uncertain significance. Last evaluated: 2026-02-20. Review status: criteria provided, single submitter. Criteria: GeneDx Variant Classification Process June 2021. Collection method: clinical testing. Allele origin: germline.
Comment: Not observed at significant frequency in large population cohorts (gnomAD); In silico analysis supports that this missense variant has a deleterious effect on protein structure/function; Has not been previously published as pathogenic or benign to our knowledge

NM_001348768.2(HECW2):c.49C>T (p.Pro17Ser)

Gene: HECW2 (HECT, C2 and WW domain containing E3 ubiquitin protein ligase 2; minus strand). Cytogenetic location: 2q32.3.
Variant type: single nucleotide variant.
Coding change: c.49C>T on transcript NM_001348768.2 (MANE Select); coding-DNA position 49, C replaced by T.
Protein change: p.Pro17Ser; replaces proline 17 with serine.
Molecular consequence: missense variant.
Genome position (GRCh38, 1-based): chr2:196,433,375, G>A on the plus strand (C>T on the coding strand, the complement: HECW2 is on the minus strand). VCF-style: chr2-196433375-G-A. GRCh37 (hg19) VCF-style: chr2-197298099-G-A.
Other names: c.49C>T, p.Pro17Ser (NM_020760.4); short protein forms P17S.
Identifiers: ClinVar variation 5009897 (VCV005009897.1).